The following is an entry in ClinVar:

ClinVar aggregate classification (germline): Uncertain significance (1 of 4 stars; one submission).

Conditions:
Early-infantile DEE. Also called: Early infantile epileptic encephalopathy with suppression bursts; Ohtahara syndrome; Early infantile epileptic encephalopathy. Identifiers: Orphanet 1934, MedGen C0393706, MONDO:0800491.

Submission:

Labcorp Genetics (formerly Invitae), Labcorp
Classification: Uncertain significance for Early-infantile DEE. Last evaluated: 2025-11-12. Review status: criteria provided, single submitter. Criteria: Invitae Variant Classification Sherloc (09022015). Collection method: clinical testing. Allele origin: germline.
Comment: This sequence change replaces glutamic acid, which is acidic and polar, with glycine, which is neutral and non-polar, at codon 146 of the GNAO1 protein (p.Glu146Gly). This variant is not present in population databases (gnomAD no frequency). This variant has not been reported in the literature in individuals affected with GNAO1-related conditions. Invitae Evidence Modeling of protein sequence and biophysical properties (such as structural, functional, and spatial information, amino acid conservation, physicochemical variation, residue mobility, and thermodynamic stability) indicates that this missense variant is expected to disrupt GNAO1 protein function with a positive predictive value of 95%. In summary, the available evidence is currently insufficient to determine the role of this variant in disease. Therefore, it has been classified as a Variant of Uncertain Significance.

NM_020988.3(GNAO1):c.437A>G (p.Glu146Gly)

Gene: GNAO1 (G protein subunit alpha o1; plus strand). Cytogenetic location: 16q13.
Variant type: single nucleotide variant.
Coding change: c.437A>G on transcript NM_020988.3 (MANE Select); coding-DNA position 437, A replaced by G.
Protein change: p.Glu146Gly; replaces glutamic acid 146 with glycine.
Molecular consequence: missense variant.
Genome position (GRCh38, 1-based): chr16:56,328,764, A>G. VCF-style: chr16-56328764-A-G. GRCh37 (hg19) VCF-style: chr16-56362676-A-G.
Other names: c.437A>G, p.Glu146Gly (NM_138736.3); short protein forms E146G.
Identifiers: ClinVar variation 4745986 (VCV004745986.1).